The following is an entry in ClinVar:

ClinVar aggregate classification (germline): Uncertain significance (1 of 4 stars; one submission).

gnomAD v4.1: 1 of 1,613,628 alleles (0.000062%); no homozygotes.

Submission:

Labcorp Genetics (formerly Invitae), Labcorp
Classification: Uncertain significance. Last evaluated: 2024-09-23. Review status: criteria provided, single submitter. Criteria: Invitae Variant Classification Sherloc (09022015). Collection method: clinical testing. Allele origin: germline.
Comment: This sequence change replaces leucine, which is neutral and non-polar, with proline, which is neutral and non-polar, at codon 6 of the PDYN protein (p.Leu6Pro). This variant is not present in population databases (gnomAD no frequency). This variant has not been reported in the literature in individuals affected with PDYN-related conditions. Invitae Evidence Modeling of protein sequence and biophysical properties (such as structural, functional, and spatial information, amino acid conservation, physicochemical variation, residue mobility, and thermodynamic stability) indicates that this missense variant is expected to disrupt PDYN protein function with a positive predictive value of 80%. In summary, the available evidence is currently insufficient to determine the role of this variant in disease. Therefore, it has been classified as a Variant of Uncertain Significance.

NM_024411.5(PDYN):c.17T>C (p.Leu6Pro)

Genes: PDYN (prodynorphin; minus strand), PDYN-AS1 (PDYN antisense RNA 1; plus strand). Cytogenetic location: 20p13.
Variant type: single nucleotide variant.
Coding change: c.17T>C on transcript NM_024411.5 (MANE Select); coding-DNA position 17, T replaced by C.
Protein change: p.Leu6Pro; replaces leucine 6 with proline.
Molecular consequence: missense variant.
Genome position (GRCh38, 1-based): chr20:1,983,068, A>G on the plus strand (T>C on the coding strand, the complement: PDYN is on the minus strand). VCF-style: chr20-1983068-A-G. GRCh37 (hg19) VCF-style: chr20-1963714-A-G.
Other names: c.17T>C, p.Leu6Pro (NM_001190892.1, NM_001190898.3, NM_001190899.2 and 1 more transcripts); short protein forms L6P.
Identifiers: ClinVar variation 3657191 (VCV003657191.2).